The following is an entry in ClinVar:

ClinVar aggregate classification (germline): Uncertain significance (1 of 4 stars; one submission).

Conditions:
Hereditary cancer-predisposing syndrome. Also called: Neoplastic Syndromes, Hereditary; Tumor predisposition; Hereditary Cancer Syndrome; Hereditary neoplastic syndrome. Identifiers: Orphanet 140162, MedGen C0027672, MeSH D009386, MONDO:0015356.

Submission:

Color Diagnostics, LLC DBA Color Health
Classification: Uncertain significance for Hereditary cancer-predisposing syndrome. Last evaluated: 2020-01-02. Review status: criteria provided, single submitter. Criteria: ACMG Guidelines, 2015. Collection method: clinical testing. Allele origin: germline.
Comment: This missense variant replaces phenylalanine with valine at codon 2504 of the BRCA2 protein. Computational prediction suggests that this variant may not impact protein structure and function (internally defined REVEL score threshold <= 0.5, PMID: 27666373). Splice site prediction tools suggest that this variant may not impact RNA splicing. To our knowledge, functional studies have not been performed for this variant. This variant has not been reported in individuals affected with hereditary cancer in the literature. This variant has not been identified in the general population by the Genome Aggregation Database (gnomAD). The available evidence is insufficient to determine the role of this variant in disease conclusively. Therefore, this variant is classified as a Variant of Uncertain Significance.

NM_000059.4(BRCA2):c.7510T>G (p.Phe2504Val)

Gene: BRCA2 (BRCA2 DNA repair associated; plus strand). Cytogenetic location: 13q13.1.
Variant type: single nucleotide variant.
Coding change: c.7510T>G on transcript NM_000059.4 (MANE Select); coding-DNA position 7510, T replaced by G.
Protein change: p.Phe2504Val; replaces phenylalanine 2504 with valine.
Molecular consequence: missense variant.
Genome position (GRCh38, 1-based): chr13:32,356,502, T>G. VCF-style: chr13-32356502-T-G. GRCh37 (hg19) VCF-style: chr13-32930639-T-G.
Other names: short protein forms F2504V.
Identifiers: ClinVar variation 924845 (VCV000924845.3), dbSNP rs2072696983, ClinGen allele CA387743460.